The following is an entry in ClinVar:

NM_001007553.3(CSDE1):c.35G>C (p.Gly12Ala)

Gene: CSDE1 (cold shock domain containing E1; minus strand). Cytogenetic location: 1p13.2.
Variant type: single nucleotide variant.
Coding change: c.35G>C on transcript NM_001007553.3 (MANE Select); coding-DNA position 35, G replaced by C.
Protein change: p.Gly12Ala; replaces glycine 12 with alanine.
Molecular consequence: missense variant.
Genome position (GRCh38, 1-based): chr1:114,739,856, C>G on the plus strand (G>C on the coding strand, the complement: CSDE1 is on the minus strand). VCF-style: chr1-114739856-C-G. GRCh37 (hg19) VCF-style: chr1-115282477-C-G.
Other names: c.173G>C, p.Gly58Ala (NM_001130523.3, NM_001242891.2); c.35G>C, p.Gly12Ala (NM_001242892.2, NM_001242893.2, NM_007158.6); short protein forms G12A, G58A.
Identifiers: ClinVar variation 3364571 (VCV003364571.1).

ClinVar aggregate classification (germline): Uncertain significance (1 of 4 stars; one submission).

gnomAD v4.1: 9 of 1,613,980 alleles (0.00056%); highest among the groups gnomAD compares: Non-Finnish European, 0.00076%; no homozygotes.

Submission:

GeneDx
Classification: Uncertain significance. Last evaluated: 2023-11-27. Review status: criteria provided, single submitter. Criteria: GeneDx Variant Classification Process June 2021. Collection method: clinical testing. Allele origin: germline. Affected: yes.
Comment: Not observed at significant frequency in large population cohorts (gnomAD); In silico analysis supports that this missense variant does not alter protein structure/function; Has not been previously published as pathogenic or benign to our knowledge